The following is an entry in ClinVar:

NM_003477.3(PDHX):c.241+15T>A

Gene: PDHX (pyruvate dehydrogenase complex component X; plus strand). Cytogenetic location: 11p13.
Variant type: single nucleotide variant.
Coding change: c.241+15T>A on transcript NM_003477.3 (MANE Select); 15 bases into the intron after coding-DNA position 241, T replaced by A.
Molecular consequence: intron variant.
Genome position (GRCh38, 1-based): chr11:34,931,499, T>A. VCF-style: chr11-34931499-T-A. GRCh37 (hg19) VCF-style: chr11-34953046-T-A.
Other names: c.61+15T>A (NM_001135024.2); c.241+15T>A (NM_001166158.2).
Identifiers: ClinVar variation 513175 (VCV000513175.8), dbSNP rs543696996, ClinGen allele CA220486207.
Genomic context (GRCh38, chr11:34,931,499, plus strand): 5'-CCTACAATGGAAGAAGGAAACATTGTGAAATGGCTGAAAAAGGAAGGTGAGGAGGTACCT[T>A]CCTAATGTCCTGTGTGCTTTGTTATTTGGTTATTTTGTTTTGTTTTTTTTTTTCCTAATC-3'

ClinVar aggregate classification (germline): Likely benign. Review status: criteria provided, multiple submitters, no conflicts (2 of 4 stars). 2 submissions from 2 submitters: Likely benign (2). Last evaluated 2021-10-20.

Allele frequency attached by ClinVar (database versions not stated): gnomAD exomes below 0.00001; TOPMed below 0.00001; gnomAD 0.00001.
gnomAD v4.1: 3 of 1,443,596 alleles (0.00021%); highest among the groups gnomAD compares: African/African-American, 0.0028%; no homozygotes.

Submissions (2):

Labcorp Genetics (formerly Invitae), Labcorp
Classification: Likely benign. Last evaluated: 2021-10-20. Review status: criteria provided, single submitter. Criteria: Invitae Variant Classification Sherloc (09022015). Collection method: clinical testing. Allele origin: germline.

GeneDx
Classification: Likely benign. Last evaluated: 2017-11-17. Review status: criteria provided, single submitter. Criteria: GeneDx Variant Classification (06012015). Collection method: clinical testing. Allele origin: germline. Affected: yes.
Comment: This variant is considered likely benign or benign based on one or more of the following criteria: it is a conservative change, it occurs at a poorly conserved position in the protein, it is predicted to be benign by multiple in silico algorithms, and/or has population frequency not consistent with disease.